The following is an entry in ClinVar:

NM_000747.3(CHRNB1):c.309C>G (p.Ile103Met)

Gene: CHRNB1 (cholinergic receptor nicotinic beta 1 subunit; plus strand). Cytogenetic location: 17p13.1.
Variant type: single nucleotide variant.
Coding change: c.309C>G on transcript NM_000747.3 (MANE Select); coding-DNA position 309, C replaced by G.
Protein change: p.Ile103Met; replaces isoleucine 103 with methionine.
Molecular consequence: missense variant.
Genome position (GRCh38, 1-based): chr17:7,446,898, C>G. VCF-style: chr17-7446898-C-G. GRCh37 (hg19) VCF-style: chr17-7350217-C-G.
Other names: c.309C>G (NM_000747.2); short protein forms I103M.
Identifiers: ClinVar variation 2958206 (VCV002958206.4), dbSNP rs370657868, ClinGen allele CA287423847.

ClinVar aggregate classification (germline): Uncertain significance. Review status: criteria provided, multiple submitters, no conflicts (2 of 4 stars). 2 submissions from 2 submitters: Uncertain significance (2). Last evaluated 2025-09-10.

Conditions:
Congenital myasthenic syndrome 2A. Also called: Myasthenic syndrome, congenital, 2a, slow-channel. Identifiers: Orphanet 590, MedGen C4225374, MONDO:0014581, OMIM 616313.
Inborn genetic diseases. Identifiers: MedGen C0950123, MeSH D030342.

Allele frequency attached by ClinVar (database versions not stated): gnomAD 0.00002; TOPMed 0.00003; ESP Exome Variant Server 0.00008.

Submissions (2):

Ambry Genetics
Classification: Uncertain significance for Inborn genetic diseases. Last evaluated: 2025-09-10. Review status: criteria provided, single submitter. Criteria: Ambry Variant Classification Scheme 2023. Collection method: clinical testing. Allele origin: germline.

Labcorp Genetics (formerly Invitae), Labcorp
Classification: Uncertain significance for Congenital myasthenic syndrome 2A. Last evaluated: 2023-12-27. Review status: criteria provided, single submitter. Criteria: Invitae Variant Classification Sherloc (09022015). Collection method: clinical testing. Allele origin: germline.
Comment: This sequence change replaces isoleucine, which is neutral and non-polar, with methionine, which is neutral and non-polar, at codon 103 of the CHRNB1 protein (p.Ile103Met). This variant is present in population databases (rs370657868, gnomAD 0.008%). This variant has not been reported in the literature in individuals affected with CHRNB1-related conditions. Advanced modeling of protein sequence and biophysical properties (such as structural, functional, and spatial information, amino acid conservation, physicochemical variation, residue mobility, and thermodynamic stability) performed at Invitae indicates that this missense variant is not expected to disrupt CHRNB1 protein function with a negative predictive value of 80%. In summary, the available evidence is currently insufficient to determine the role of this variant in disease. Therefore, it has been classified as a Variant of Uncertain Significance.